The following is an entry in ClinVar:

NM_000548.5(TSC2):c.1774A>T (p.Ser592Cys)

Gene: TSC2 (TSC complex subunit 2; plus strand). Cytogenetic location: 16p13.3.
Variant type: single nucleotide variant.
Coding change: c.1774A>T on transcript NM_000548.5 (MANE Select); coding-DNA position 1774, A replaced by T.
Protein change: p.Ser592Cys; replaces serine 592 with cysteine.
Molecular consequence: missense variant. On other transcripts: non-coding transcript variant (5).
Genome position (GRCh38, 1-based): chr16:2,070,513, A>T. VCF-style: chr16-2070513-A-T. GRCh37 (hg19) VCF-style: chr16-2120514-A-T.
Other names: c.1663A>T, p.Ser555Cys (NM_001406678.1, NM_001318827.2, NM_001406670.1); c.1627A>T, p.Ser543Cys (NM_001406679.1, NM_001318829.2, NM_001406675.1 and 1 more transcripts); c.1174A>T, p.Ser392Cys (NM_001406680.1, NM_001406682.1, NM_001406683.1 and 6 more transcripts); c.1312A>T, p.Ser438Cys (NM_001406681.1); c.1774A>T, p.Ser592Cys (NM_001077183.3, NM_001114382.3, NM_001363528.2 and 6 more transcripts); c.1807A>T, p.Ser603Cys (NM_001318832.2); c.1864A>T, p.Ser622Cys (NM_001406667.1, NM_001406668.1); c.1762A>T, p.Ser588Cys (NM_001406671.1, NM_001406673.1); and 3 more; short protein forms S392C, S58C, S144C, S555C, S622C, S438C, S543C, S573C.
Identifiers: ClinVar variation 4192192 (VCV004192192.1).

ClinVar aggregate classification (germline): Uncertain significance (1 of 4 stars; one submission).

Conditions:
Hereditary cancer-predisposing syndrome. Also called: Neoplastic Syndromes, Hereditary; Tumor predisposition; Hereditary Cancer Syndrome; Hereditary neoplastic syndrome. Identifiers: Orphanet 140162, MedGen C0027672, MeSH D009386, MONDO:0015356.

Submission:

Ambry Genetics
Classification: Uncertain significance for Hereditary cancer-predisposing syndrome. Last evaluated: 2025-09-02. Review status: criteria provided, single submitter. Criteria: Ambry Variant Classification Scheme 2023. Collection method: clinical testing. Allele origin: germline.
Comment: The p.S592C variant (also known as c.1774A>T), located in coding exon 16 of the TSC2 gene, results from an A to T substitution at nucleotide position 1774. The serine at codon 592 is replaced by cysteine, an amino acid with dissimilar properties. This amino acid position is conserved. In addition, this alteration is predicted to be tolerated by in silico analysis. Based on the available evidence, the clinical significance of this variant remains unclear.